The following is an entry in ClinVar:

ClinVar aggregate classification (germline): Uncertain significance. Review status: criteria provided, multiple submitters, no conflicts (2 of 4 stars). 2 submissions from 2 submitters: Uncertain significance (2). Last evaluated 2024-11-15.

Conditions:
ARFGEF1-related disorder. Also called: ARFGEF1-related condition.
Inborn genetic diseases. Identifiers: MedGen C0950123, MeSH D030342.

Allele frequency attached by ClinVar (database versions not stated): gnomAD exomes below 0.00001; gnomAD 0.00003; TOPMed 0.00004.
gnomAD v4.1: 11 of 1,612,112 alleles (0.00068%); highest among the groups gnomAD compares: Admixed American, 0.0067%; no homozygotes.

Submissions (2):

Ambry Genetics
Classification: Uncertain significance for Inborn genetic diseases. Last evaluated: 2024-11-15. Review status: criteria provided, single submitter. Criteria: Ambry Variant Classification Scheme 2023. Collection method: clinical testing. Allele origin: germline.

Rady Children's Institute for Genomic Medicine, Rady Children's Hospital San Diego
Classification: Uncertain significance for ARFGEF1-RELATED DISORDER. Review status: criteria provided, single submitter. Criteria: ACMG Guidelines, 2015. Collection method: clinical testing. Allele origin: germline. Affected: yes. Study: CSER-NYCKidSeq.
Comment: This variant has not been previously reported or functionally characterized in the literature to our knowledge. It is present in the heterozygous state in the gnomAD population database at a frequency of 0.0004% (1/250246) and thus is presumed to be rare. The c.3736C>T (p.Arg1246Trp) variant affects a highly conserved amino acid and is predicted by multiple in silico tools to have a deleterious effect on protein function. Based on the available evidence, the c.3736C>T (p.Arg1246Trp) variant is classified as Variant of Uncertain Significance.

NM_006421.5(ARFGEF1):c.3736C>T (p.Arg1246Trp)

Gene: ARFGEF1 (ARF guanine nucleotide exchange factor 1; minus strand). Cytogenetic location: 8q13.2.
Variant type: single nucleotide variant.
Coding change: c.3736C>T on transcript NM_006421.5 (MANE Select); coding-DNA position 3736, C replaced by T.
Protein change: p.Arg1246Trp; replaces arginine 1246 with tryptophan.
Molecular consequence: missense variant.
Genome position (GRCh38, 1-based): chr8:67,227,454, G>A on the plus strand (C>T on the coding strand, the complement: ARFGEF1 is on the minus strand). VCF-style: chr8-67227454-G-A. GRCh37 (hg19) VCF-style: chr8-68139689-G-A.
Other names: short protein forms R1246W.
Identifiers: ClinVar variation 1301871 (VCV001301871.2), dbSNP rs1253162847, ClinGen allele CA371199782.
Genomic context (GRCh38, chr8:67,227,454, plus strand): 5'-TGTGGAAAACAACAAGATTTTCCTTCTATTAAGCAATTCAACAAATATAGTACCTGTTCC[G>A]TTTCATTATATGTTCAAAAGGTCTTAAGAAATCCTTCTGGAATCTGAAGTTAGCAAGCTC-3'
Protein context (NP_006412.2, residues 1236-1256): FLRPFEHIMK[Arg1246Trp]NRSPTIRDMV